The following is an entry in ClinVar:

NM_014921.5(ADGRL1):c.932C>T (p.Ser311Phe)

Genes: ADGRL1 (adhesion G protein-coupled receptor L1; minus strand), ADGRL1-AS1 (ADGRL1 antisense RNA 1; plus strand). Cytogenetic location: 19p13.12.
Variant type: single nucleotide variant.
Coding change: c.932C>T on transcript NM_014921.5 (MANE Select); coding-DNA position 932, C replaced by T.
Protein change: p.Ser311Phe; replaces serine 311 with phenylalanine.
Molecular consequence: missense variant.
Genome position (GRCh38, 1-based): chr19:14,162,869, G>A on the plus strand (C>T on the coding strand, the complement: ADGRL1 is on the minus strand). VCF-style: chr19-14162869-G-A. GRCh37 (hg19) VCF-style: chr19-14273681-G-A.
Other names: c.947C>T, p.Ser316Phe (NM_001008701.3); short protein forms S316F, S311F.
Identifiers: ClinVar variation 2539191 (VCV002539191.2), dbSNP rs2512929324, ClinGen allele CA404412818.

ClinVar aggregate classification (germline): Uncertain significance (1 of 4 stars; one submission).

Conditions:
Inborn genetic diseases. Identifiers: MedGen C0950123, MeSH D030342.

Allele frequency attached by ClinVar (database versions not stated): gnomAD exomes 0.00001.
gnomAD v4.1: 3 of 1,614,020 alleles (0.00019%); highest among the groups gnomAD compares: Non-Finnish European, 0.00025%; no homozygotes.

Submission:

Ambry Genetics
Classification: Uncertain significance for Inborn genetic diseases. Last evaluated: 2023-06-02. Review status: criteria provided, single submitter. Criteria: Ambry Variant Classification Scheme 2023. Collection method: clinical testing. Allele origin: germline.
Comment: The c.947C>T (p.S316F) alteration is located in exon 6 (coding exon 5) of the ADGRL1 gene. This alteration results from a C to T substitution at nucleotide position 947, causing the serine (S) at amino acid position 316 to be replaced by a phenylalanine (F). This variant was not reported in population-based cohorts in the Genome Aggregation Database (gnomAD). This amino acid position is highly conserved in available vertebrate species. This alteration is predicted to be deleterious by in silico analysis. Based on insufficient or conflicting evidence, the clinical significance of this alteration remains unclear.